The following is an entry in ClinVar:

ClinVar aggregate classification (germline): Uncertain significance (1 of 4 stars; one submission).

Conditions:
Primary dilated cardiomyopathy (DCM). Also called: Dilated Cardiomyopathy. Identifiers: Orphanet 217604, MedGen C0007193, MeSH D002311, MONDO:0005021, HP:0001644. Inheritance: Various modes of inheritance.

Submission:

Labcorp Genetics (formerly Invitae), Labcorp
Classification: Uncertain significance for Primary dilated cardiomyopathy. Last evaluated: 2023-02-01. Review status: criteria provided, single submitter. Criteria: Invitae Variant Classification Sherloc (09022015). Collection method: clinical testing. Allele origin: germline.
Comment: This sequence change creates a premature translational stop signal (p.Thr189Serfs*13) in the FHL2 gene. It is expected to result in an absent or disrupted protein product. However, the current clinical and genetic evidence is not sufficient to establish whether loss-of-function variants in FHL2 cause disease. This variant is not present in population databases (gnomAD no frequency). This variant has not been reported in the literature in individuals affected with FHL2-related conditions. Experimental studies and prediction algorithms are not available or were not evaluated, and the functional significance of this variant is currently unknown. In summary, the available evidence is currently insufficient to determine the role of this variant in disease. Therefore, it has been classified as a Variant of Uncertain Significance.

NM_001318895.3(FHL2):c.566_593del (p.Thr189fs)

Genes: C2orf49 (chromosome 2 open reading frame 49; plus strand), FHL2 (four and a half LIM domains 2; minus strand). Cytogenetic location: 2q12.2.
Variant type: Deletion.
Coding change: c.566_593del on transcript NM_001318895.3 (MANE Select); coding-DNA positions 566 to 593, 28 bases deleted (CCGCCTGCAGGAAGCAGCTGTCTGGGCA).
Protein change: p.Thr189fs; shifts the reading frame from threonine 189.
Molecular consequence: frameshift variant.
Genome position (GRCh38, 1-based): chr2:105,363,380-105,363,407, TGCCCAGACAGCTGCTTCCTGCAGGCGG deleted on the plus strand (CCGCCTGCAGGAAGCAGCTGTCTGGGCA on the coding strand, the reverse complement: FHL2 is on the minus strand); deleting any 28 consecutive bases within chr2:105,363,380-105,363,410 gives the same sequence; the c. name uses the placement nearest the transcript's 3' end. VCF-style (leftmost placement, unchanged base first): chr2-105363379-CTGCCCAGACAGCTGCTTCCTGCAGGCGG-C. GRCh37 (hg19) VCF-style: chr2-105979836-CTGCCCAGACAGCTGCTTCCTGCAGGCGG-C.
Other names: c.566_593del, p.Thr189fs (NM_201557.5, NM_001039492.3, NM_001318894.1 and 4 more transcripts); c.224_251del, p.Thr75fs (NM_001318897.2, NM_001318898.2); c.242_269del, p.Thr81fs (NM_001318899.2); short protein forms T75fs, T189fs, T81fs.
Identifiers: ClinVar variation 2832005 (VCV002832005.3), dbSNP rs2467151260, ClinGen allele CA2660522135.